The following is an entry in ClinVar:

NM_000138.5(FBN1):c.3455C>T (p.Ala1152Val)

Gene: FBN1 (fibrillin 1; minus strand). Cytogenetic location: 15q21.1.
Variant type: single nucleotide variant.
Coding change: c.3455C>T on transcript NM_000138.5 (MANE Select); coding-DNA position 3455, C replaced by T.
Protein change: p.Ala1152Val; replaces alanine 1152 with valine.
Molecular consequence: missense variant.
Genome position (GRCh38, 1-based): chr15:48,487,320, G>A on the plus strand (C>T on the coding strand, the complement: FBN1 is on the minus strand). VCF-style: chr15-48487320-G-A. GRCh37 (hg19) VCF-style: chr15-48779517-G-A.
Other names: short protein forms A1152V.
Identifiers: ClinVar variation 546101 (VCV000546101.19), dbSNP rs539103389, ClinGen allele CA050642.

ClinVar aggregate classification (germline): Uncertain significance. Review status: criteria provided, multiple submitters, no conflicts (2 of 4 stars). 8 submissions from 8 submitters: Uncertain significance (8). Last evaluated 2025-11-09.

Conditions:
MASS syndrome (OCTD). Also called: OVERLAP CONNECTIVE TISSUE DISEASE; MASS PHENOTYPE. Identifiers: MedGen C1858556, MONDO:0011431, OMIM 604308.
Progeroid and marfanoid aspect-lipodystrophy syndrome. Also called: MARFANOID-PROGEROID SYNDROME; MARFAN-PROGEROID-LIPODYSTROPHY SYNDROME; Marfan lipodystrophy syndrome; MARFANOID-PROGEROID-LIPODYSTROPHY SYNDROME. Identifiers: Orphanet 300382, MedGen C4310796, MONDO:0014831, OMIM 616914.
Ectopia lentis 1, isolated, autosomal dominant (ECTOL1). Identifiers: Orphanet 1885, MedGen C3541518, MONDO:0007514, OMIM 129600.
Weill-Marchesani syndrome 2, dominant. Also called: Weill-Marchesani Syndrome, Autosomal Dominant; FBN1-Related Weill-Marchesani Syndrome. Identifiers: Orphanet 2084, MedGen C1869115, MONDO:0012013, OMIM 608328.
Acromicric dysplasia (ACMICD). Also called: Acromicric skeletal dysplasia. Identifiers: Orphanet 969, MedGen C0265287, MONDO:0007055, OMIM 102370.
Geleophysic dysplasia 2 (GPHYSD2). Identifiers: Orphanet 2623, MedGen C3280054, MONDO:0013612, OMIM 614185.
Stiff skin syndrome (SSKS). Identifiers: Orphanet 2833, MedGen C1861456, MONDO:0008492, OMIM 184900.
Marfan syndrome (MFS). Also called: Marfan syndrome type 1; Marfan syndrome, classic; Marfan's syndrome; FBN1-Related Marfan Syndrome; MARFAN SYNDROME, TYPE I. Identifiers: Orphanet 284963, Orphanet 558, MedGen C0024796, MONDO:0007947, OMIM 154700.
Familial thoracic aortic aneurysm and aortic dissection (TAAD). Also called: Thoracic aortic aneurysms and dissections. Identifiers: Orphanet 91387, MedGen C4707243, MONDO:0019625.

Allele frequency attached by ClinVar (database versions not stated): gnomAD exomes 0.00003 and 0.00002; gnomAD 0.00003; TOPMed 0.00005; 1000 Genomes Project 0.00020; 1000 Genomes Project 30x 0.00031; ExAC 0.00002.
gnomAD v4.1: 44 of 1,614,180 alleles (0.0027%); highest among the groups gnomAD compares: East Asian, 0.031%; no homozygotes.

Submissions (8):

Labcorp Genetics (formerly Invitae), Labcorp
Classification: Uncertain significance for Marfan syndrome; Familial thoracic aortic aneurysm and aortic dissection. Last evaluated: 2025-11-09. Review status: criteria provided, single submitter. Criteria: Invitae Variant Classification Sherloc (09022015). Collection method: clinical testing. Allele origin: germline.
Comment: This sequence change replaces alanine, which is neutral and non-polar, with valine, which is neutral and non-polar, at codon 1152 of the FBN1 protein (p.Ala1152Val). This variant is present in population databases (rs539103389, gnomAD 0.006%). This missense change has been observed in individuals with clinical features of FBN1-related conditions (PMID: 19839986, 26017485, 28973303, 30115950, 32381728; internal data). ClinVar contains an entry for this variant (Variation ID: 546101). Invitae Evidence Modeling of protein sequence and biophysical properties (such as structural, functional, and spatial information, amino acid conservation, physicochemical variation, residue mobility, and thermodynamic stability) has been performed for this missense variant. However, the output from this modeling did not meet the statistical confidence thresholds required to predict the impact of this variant on FBN1 protein function. In summary, the available evidence is currently insufficient to determine the role of this variant in disease. Therefore, it has been classified as a Variant of Uncertain Significance.

Ambry Genetics
Classification: Uncertain significance for Familial thoracic aortic aneurysm and aortic dissection. Last evaluated: 2025-08-22. Review status: criteria provided, single submitter. Criteria: Ambry Variant Classification Scheme 2023. Collection method: clinical testing. Allele origin: germline.
Comment: The p.A1152V variant (also known as c.3455C>T), located in coding exon 27 of the FBN1 gene, results from a C to T substitution at nucleotide position 3455. The alanine at codon 1152 is replaced by valine, an amino acid with similar properties, and is located in the cbEGF-like #13 domain. This alteration has been reported in one individual with a clinical diagnosis of Marfan syndrome, meeting Ghent criteria (Hung CC et al. Ann Hum Genet, 2009 Nov;73:559-67). Additionally, this alteration was noted in several isolated thoracic aortic aneurysm cohorts, an idiopathic scoliosis cohort, and an intracranial vertebral-basilar artery dissection cohort (van de Luijtgaarden KM et al. Hum Genet, 2015 Aug;134:881-93; Wooderchak-Donahue W et al. Am J Med Genet A, 2015 Aug;167A:1747-57; Tan L et al. Hum Mol Genet, 2017 12;26:4814-4822; Li Z et al. Sci China Life Sci, 2018 12;61:1545-1553; Wang K et al. J Hum Genet, 2018 Nov;63:1119-1128; Jiang H et al. J Med Genet, 2020 06;57:405-413). This amino acid position is highly conserved in available vertebrate species. In addition, the in silico prediction for this alteration is inconclusive. Since supporting evidence is limited at this time, the clinical significance of this alteration remains unclear.

Genomic Medicine Center of Excellence, King Faisal Specialist Hospital and Research Centre
Classification: Uncertain significance for Marfan syndrome. Last evaluated: 2024-12-19. Review status: criteria provided, single submitter. Criteria: ACMG Guidelines, 2015. Collection method: clinical testing. Allele origin: germline.

All of Us Research Program, National Institutes of Health
Classification: Uncertain significance for Marfan syndrome. Last evaluated: 2024-09-24. Review status: criteria provided, single submitter. Criteria: ACMG Guidelines, 2015. Collection method: clinical testing. Allele origin: germline. Inheritance: Autosomal dominant inheritance. Observed: 13 variant alleles, 13 heterozygotes.
Comment: This missense variant replaces alanine with valine at codon 1152 of the FBN1 protein. Computational prediction is inconclusive regarding the impact of this variant on protein structure and function (internally defined REVEL score threshold 0.5 < inconclusive < 0.7, PMID: 27666373). To our knowledge, functional studies have not been reported for this variant. This variant has been reported in individuals affected with Marfan syndrome (PMID: 19839986, 33775534), sporadic abdominal aortic aneurysm (PMID: 26017485), non-syndromic aortic dissection (PMID: 28973303), intracranial vertebral-basilar artery dissection (PMID: 30115950), and adolescent idiopathic scoliosis (PMID: 32381728). This variant has also been observed in an individual affected with aortopathy but a family segregation study did not support the pathogenicity of this variant (PMID: 25944730). This variant has been identified in 8/282870 chromosomes in the general population by the Genome Aggregation Database (gnomAD). The available evidence is insufficient to determine the role of this variant in disease conclusively. Therefore, this variant is classified as a Variant of Uncertain Significance.

This study involves interpretation of variants in research participants for the purpose of population health screening. Participant phenotype was not available at the time of variant classification. Additional details can be found in publication PMID: 35346344, PMCID: PMC8962531

Color Diagnostics, LLC DBA Color Health
Classification: Uncertain significance for Familial thoracic aortic aneurysm and aortic dissection. Last evaluated: 2024-06-13. Review status: criteria provided, single submitter. Criteria: ACMG Guidelines, 2015. Collection method: clinical testing. Allele origin: germline.
Comment: This missense variant replaces alanine with valine at codon 1152 of the FBN1 protein. Computational prediction tools indicate that this variant's impact on protein structure and function is inconclusive. To our knowledge, functional studies have not been reported for this variant. This variant has been reported in individuals affected with Marfan syndrome (PMID: 19839986, 33775534), sporadic abdominal aortic aneurysm (PMID: 26017485), non-syndromic aortic dissection (PMID: 28973303), intracranial vertebral-basilar artery dissection (PMID: 30115950), and adolescent idiopathic scoliosis (PMID: 32381728). This variant has also been reported in an individual affected with aortopathy, but a family segregation study did not support the pathogenicity of this variant (PMID: 25944730). This variant has been identified in 8/282870 chromosomes in the general population by the Genome Aggregation Database (gnomAD). The available evidence is insufficient to determine the role of this variant in disease conclusively. Therefore, this variant is classified as a Variant of Uncertain Significance.

Department of Pathology and Laboratory Medicine, Sinai Health System
Classification: Uncertain significance for MASS syndrome; Geleophysic dysplasia 2; Ectopia lentis 1, isolated, autosomal dominant; Acromicric dysplasia; Progeroid and marfanoid aspect-lipodystrophy syndrome; Marfan syndrome; Weill-Marchesani syndrome 2, dominant; Stiff skin syndrome. Last evaluated: 2022-10-11. Review status: criteria provided, single submitter. Criteria: ACMG Guidelines, 2015. Collection method: research. Allele origin: germline.

GeneDx
Classification: Uncertain significance. Last evaluated: 2018-06-04. Review status: criteria provided, single submitter. Criteria: GeneDx Variant Classification (06012015). Collection method: clinical testing. Allele origin: germline. Affected: yes.
Comment: A variant of uncertain significance has been identified in the FBN1 gene. The A1152V variant has been reported in a patient who met Ghent criteria (Hung et al., 2009) and in one patient with abdominal aortic aneurysm (van de Luijtgaarden et al., 2015). However, this variant is observed in 8/277224 (0.003%) alleles from individuals of multiple ethnic backgrounds in large population cohorts (Lek et al., 2016). The A1152V variant is a conservative amino acid substitution, which is not likely to impact secondary protein structure as these residues share similar properties. Additionally, while the A1152V variant is located within a calcium-binding EGF-like domain of the FBN1 gene, it does not affect a cysteine residue within this domain. Cysteine substitutions in the calcium-binding EGF-like domains represent the majority of pathogenic missense changes associated with Marfan syndrome (Collod-Beroud et al., 2003). Nevertheless, in-silico analyses, including protein predictors and evolutionary conservation, support a deleterious effect. Therefore, based on the currently available information, it is unclear whether this variant is pathogenic or rare benign.

Women's Health and Genetics/Laboratory Corporation of America, LabCorp
Classification: Uncertain significance. Last evaluated: 2018-02-12. Review status: criteria provided, single submitter. Criteria: LabCorp Variant Classification Summary - May 2015. Collection method: clinical testing. Allele origin: germline.
Comment: Variant summary: FBN1 c.3455C>T (p.Ala1152Val) results in a non-conservative amino acid change located in the EGF-like domain and EGF-like calcium-binding domain of the encoded protein sequence. Four of five in-silico tools predict a damaging effect of the variant on protein function. However, these predictions have yet to be functionally assessed. The variant, c.3455C>T, was observed with an allele frequency of 2.9e-5 in 277224 control chromosomes (gnomAD). This frequency is not significantly higher than expected for a pathogenic variant in FBN1 causing Marfan Syndrome (2.9e-05 vs 1.10E-04), allowing no conclusion about variant significance. The variant, c.3455C>T, has been reported in an affected individual that fulfilled the Ghent criteria (Hung_2009). However, another publication observed the variant in a patient presenting with aortic dilation and craniofacial and musculoskeletal features, but indicated that due to family segregation (suggesting a lack of cosegregation with disease; more information not provided) it was classified as "suspected benign" (Wooderchak-Donahue_2015). No clinical diagnostic laboratories have submitted clinical-significance assessments for this variant to ClinVar after 2014. Based on the evidence outlined above, the variant was classified as uncertain significance.

Literature cited by the submitters: PubMed 19839986 (cited by 5 submitters); PubMed 26017485 (cited by 5 submitters); PubMed 28973303 (cited by 4 submitters); PubMed 30115950 (cited by 4 submitters); PubMed 32381728 (cited by 4 submitters); PubMed 25944730 (cited by 4 submitters); PubMed 27323140 (cited by Ambry Genetics); PubMed 30341550 (cited by Ambry Genetics); PubMed 33775534 (cited by 3 submitters).